The following is an entry in ClinVar:

NM_001042492.3(NF1):c.4934T>G (p.Leu1645Arg)

Gene: NF1 (neurofibromin 1; plus strand). Cytogenetic location: 17q11.2.
Variant type: single nucleotide variant.
Coding change: c.4934T>G on transcript NM_001042492.3 (MANE Select); coding-DNA position 4934, T replaced by G.
Protein change: p.Leu1645Arg; replaces leucine 1645 with arginine.
Molecular consequence: missense variant.
Genome position (GRCh38, 1-based): chr17:31,325,918, T>G. VCF-style: chr17-31325918-T-G. GRCh37 (hg19) VCF-style: chr17-29652936-T-G.
Other names: c.4871T>G, p.Leu1624Arg (NM_000267.4); short protein forms L1624R, L1645R.
Identifiers: ClinVar variation 547653 (VCV000547653.47), dbSNP rs1555533305, ClinGen allele CA399007144.

ClinVar aggregate classification (germline): Conflicting classifications of pathogenicity. Review status: criteria provided, conflicting classifications (1 of 4 stars). 5 submissions from 5 submitters: Pathogenic (1); Likely pathogenic (1); Uncertain significance (3). Last evaluated 2025-01-07.

Conditions:
Hereditary cancer-predisposing syndrome. Also called: Hereditary Cancer Syndrome; Neoplastic Syndromes, Hereditary; Tumor predisposition; Hereditary neoplastic syndrome. Identifiers: Orphanet 140162, MedGen C0027672, MeSH D009386, MONDO:0015356.
Cardiovascular phenotype. Identifiers: MedGen CN230736.
Neurofibromatosis, type 1 (NF1). Also called: VON RECKLINGHAUSEN DISEASE; Peripheral type neurofibromatosis; NEUROFIBROMATOSIS, TYPE I, SOMATIC; Neurofibromatosis, type I. Identifiers: Orphanet 636, MedGen C0027831, MONDO:0018975, OMIM 162200. Disease mechanism: loss of function.

Submissions (5):

Dasa
Classification: Uncertain significance. Last evaluated: 2025-01-07. Review status: criteria provided, single submitter. Criteria: DASA Assertion Criteria. Collection method: clinical testing. Allele origin: germline.
Comment: NM_001042492.3(NF1):c.4934T>G (p.Leu1645Arg) is a missense variant that results in the substitution of leucine with arginine. This variant is absent from population databases. Computational prediction algorithms are consistent with a deleterious effect. The currently available literature and clinical evidence are not sufficient to establish a definitive association between this variant and the reported condition. Therefore, this variant is classified as a variant of uncertain significance.

Labcorp Genetics (formerly Invitae), Labcorp
Classification: Pathogenic for Neurofibromatosis, type 1. Last evaluated: 2024-11-28. Review status: criteria provided, single submitter. Criteria: Invitae Variant Classification Sherloc (09022015). Collection method: clinical testing. Allele origin: germline.
Comment: This sequence change replaces leucine, which is neutral and non-polar, with arginine, which is basic and polar, at codon 1624 of the NF1 protein (p.Leu1624Arg). This variant is not present in population databases (gnomAD no frequency). This missense change has been observed in individual(s) with neurofibromatosis type 1 (internal data). It has also been observed to segregate with disease in related individuals. ClinVar contains an entry for this variant (Variation ID: 547653). Invitae Evidence Modeling of protein sequence and biophysical properties (such as structural, functional, and spatial information, amino acid conservation, physicochemical variation, residue mobility, and thermodynamic stability) indicates that this missense variant is expected to disrupt NF1 protein function with a positive predictive value of 95%. For these reasons, this variant has been classified as Pathogenic.

CeGaT Center for Human Genetics Tuebingen
Classification: Likely pathogenic. Last evaluated: 2021-02-01. Review status: criteria provided, single submitter. Criteria: CeGaT Center For Human Genetics Tuebingen Variant Classification Criteria Version 2. Collection method: clinical testing. Allele origin: germline. Affected: yes. Observed: 1 variant allele.

Ambry Genetics
Classification: Uncertain significance for Cardiovascular phenotype; Hereditary cancer-predisposing syndrome. Last evaluated: 2018-05-31. Review status: criteria provided, single submitter. Criteria: Ambry Variant Classification Scheme 2023. Collection method: clinical testing. Allele origin: germline.
Comment: The p.L1624R variant (also known as c.4871T>G), located in coding exon 36 of the NF1 gene, results from a T to G substitution at nucleotide position 4871. The leucine at codon 1624 is replaced by arginine, an amino acid with dissimilar properties. This amino acid position is highly conserved in available vertebrate species. In addition, this alteration is predicted to be deleterious by in silico analysis. Since supporting evidence is limited at this time, the clinical significance of this alteration remains unclear.

Center for Human Genetics, Inc
Classification: Uncertain significance for Neurofibromatosis, type 1. Last evaluated: 2016-11-01. Review status: criteria provided, single submitter. Criteria: ACMG Guidelines, 2015. Collection method: clinical testing. Allele origin: germline. Affected: yes.